The following is an entry in ClinVar:

ClinVar aggregate classification (germline): Benign/Likely benign. Review status: criteria provided, multiple submitters, no conflicts (2 of 4 stars). 2 submissions from 2 submitters: Benign (1); Likely benign (1). Last evaluated 2024-07-10.

Conditions:
Hereditary cancer-predisposing syndrome. Also called: Tumor predisposition; Hereditary neoplastic syndrome; Hereditary Cancer Syndrome; Neoplastic Syndromes, Hereditary. Identifiers: Orphanet 140162, MedGen C0027672, MeSH D009386, MONDO:0015356.
Oligodontia-cancer predisposition syndrome. Also called: TOOTH AGENESIS-COLORECTAL CANCER SYNDROME. Identifiers: Orphanet 300576, MedGen C1837750, MONDO:0012075, OMIM 608615. Disease mechanism: loss of function.

Submissions (2):

Myriad Genetics, Inc.
Classification: Benign for Oligodontia-cancer predisposition syndrome. Last evaluated: 2024-07-10. Review status: criteria provided, single submitter. Criteria: Myriad Autosomal Dominant, Autosomal Recessive and X-Linked Classification Criteria (2023). Collection method: clinical testing. Allele origin: unknown.
Comment: This variant is considered benign. This variant is a silent/synonymous amino acid change and it is not expected to impact splicing.

Ambry Genetics
Classification: Likely benign for Hereditary cancer-predisposing syndrome. Last evaluated: 2023-12-24. Review status: criteria provided, single submitter. Criteria: Ambry Variant Classification Scheme 2023. Collection method: clinical testing. Allele origin: germline.

NM_004655.4(AXIN2):c.2220A>G (p.Pro740=)

Gene: AXIN2 (axin 2; minus strand). Cytogenetic location: 17q24.1.
Variant type: single nucleotide variant.
Coding change: c.2220A>G on transcript NM_004655.4 (MANE Select); coding-DNA position 2220, A replaced by G.
Protein change: p.Pro740=; no amino-acid change (proline 740 retained).
Molecular consequence: synonymous variant.
Genome position (GRCh38, 1-based): chr17:65,535,643, T>C on the plus strand (A>G on the coding strand, the complement: AXIN2 is on the minus strand). VCF-style: chr17-65535643-T-C. GRCh37 (hg19) VCF-style: chr17-63531761-T-C.
Other names: c.2025A>G, p.Pro675= (NM_001363813.1).
Identifiers: ClinVar variation 3224393 (VCV003224393.2), dbSNP rs1339912710, ClinGen allele CA501476053.